The following is an entry in ClinVar:

NM_016363.5(GP6):c.356_360del (p.Gln119fs)

Gene: GP6 (glycoprotein VI platelet; minus strand). Cytogenetic location: 19q13.42.
Variant type: Microsatellite.
Coding change: c.356_360del on transcript NM_016363.5 (MANE Select); coding-DNA positions 356 to 360, 5 bases deleted (AGCCC; older notation c.356_360delAGCCC).
Protein change: p.Gln119fs; shifts the reading frame from glutamine 119.
Molecular consequence: frameshift variant.
Genome position (GRCh38, 1-based): chr19:55,027,828-55,027,832, GGGCT deleted on the plus strand (AGCCC on the coding strand, the reverse complement: GP6 is on the minus strand); deleting any 5 consecutive bases within chr19:55,027,828-55,027,838 gives the same sequence; the c. name uses the placement nearest the transcript's 3' end. VCF-style (leftmost placement, unchanged base first): chr19-55027827-CGGGCT-C. GRCh37 (hg19) VCF-style: chr19-55539195-CGGGCT-C.
Other names: c.356_360del, p.Gln119fs (NM_001083899.2, NM_001256017.2); c.356_360delAGCCC (NM_001083899.2); short protein forms Q119fs.
Identifiers: ClinVar variation 2441974 (VCV002441974.3), dbSNP rs760074158, ClinGen allele CA310130295.

ClinVar aggregate classification (germline): Pathogenic/Likely pathogenic. Review status: criteria provided, multiple submitters, no conflicts (2 of 4 stars). 3 submissions from 3 submitters: Pathogenic (2); Likely pathogenic (1). Last evaluated 2026-01-03.

Conditions:
Platelet-type bleeding disorder 11 (BDPLT11). Also called: GLYCOPROTEIN VI DEFICIENCY; GP VI DEFICIENCY. Identifiers: Orphanet 73271, Orphanet 98885, MedGen C3280120, MONDO:0013623, OMIM 614201.

Submissions (3):

Labcorp Genetics (formerly Invitae), Labcorp
Classification: Pathogenic. Last evaluated: 2026-01-03. Review status: criteria provided, single submitter. Criteria: Invitae Variant Classification Sherloc (09022015). Collection method: clinical testing. Allele origin: germline.
Comment: This sequence change creates a premature translational stop signal (p.Gln119Argfs*21) in the GP6 gene. It is expected to result in an absent or disrupted protein product. Loss-of-function variants in GP6 are known to be pathogenic (PMID: 16139873, 23815599). This variant is present in population databases (rs760074158, gnomAD 0.04%). This variant has not been reported in the literature in individuals affected with GP6-related conditions. ClinVar contains an entry for this variant (Variation ID: 2441974). For these reasons, this variant has been classified as Pathogenic.

First Genomix Gene Laboratory, Genetic Diagnostics Department
Classification: Pathogenic for Platelet-type bleeding disorder 11. Last evaluated: 2025-03-14. Review status: criteria provided, single submitter. Criteria: ACMG Guidelines, 2015. Collection method: clinical testing. Allele origin: germline. Inheritance: Autosomal recessive inheritance. Affected: no. Observed: 1 variant allele.

Baylor Genetics
Classification: Likely pathogenic for Platelet-type bleeding disorder 11. Last evaluated: 2021-05-16. Review status: criteria provided, single submitter. Criteria: ACMG Guidelines, 2015. Collection method: clinical testing. Allele origin: unknown.

Literature cited by the submitters: PubMed 16139873 (cited by Labcorp Genetics (formerly Invitae), Labcorp); PubMed 23815599 (cited by Labcorp Genetics (formerly Invitae), Labcorp).